The following is an entry in ClinVar:

NM_001148.6(ANK2):c.10672C>T (p.His3558Tyr)

Gene: ANK2 (ankyrin 2; plus strand). Cytogenetic location: 4q26.
Variant type: single nucleotide variant.
Coding change: c.10672C>T on transcript NM_001148.6 (MANE Select); coding-DNA position 10672, C replaced by T.
Protein change: p.His3558Tyr; replaces histidine 3558 with tyrosine.
Molecular consequence: missense variant. On other transcripts: intron variant (68).
Genome position (GRCh38, 1-based): chr4:113,359,290, C>T. VCF-style: chr4-113359290-C-T. GRCh37 (hg19) VCF-style: chr4-114280446-C-T.
Other names: c.10438C>T, p.His3480Tyr (NM_001386142.1); c.7072C>T, p.His2358Tyr (NM_001386166.1); c.10813C>T, p.His3605Tyr (NM_001386174.1); c.10789C>T, p.His3597Tyr (NM_001386175.1); c.4412-1533C>T (NM_001386186.2, NM_001386148.2); c.4214-1533C>T (NM_001354269.3); c.4292-1533C>T (NM_001386187.2); c.4253-1533C>T (NM_001386147.1); and 35 more; short protein forms H3558Y, H2358Y, H3480Y, H3597Y, H3605Y.
Identifiers: ClinVar variation 836932 (VCV000836932.6), dbSNP rs1280167255, ClinGen allele CA357940946.
Genomic context (GRCh38, chr4:113,359,290, plus strand): 5'-ATTTGGGATGAGTCTATTGAGACTCTGATTGAACGCATCCCTGATGAAAATGGCCATGAC[C>T]ATGCTGAAGGTATTTGCCAGCCACCGGGATTCCCTGTGCTACGCATGTCATAAAATTGAT-3'
Protein context (NP_001139.3, residues 3548-3568): ERIPDENGHD[His3558Tyr]AEDPQDEQER

ClinVar aggregate classification (germline): Uncertain significance (1 of 4 stars; one submission).

Conditions:
Long QT syndrome (LQTS). Identifiers: MedGen C0023976, MeSH D008133, MONDO:0002442. Disease mechanism: loss of function. Inheritance: Various modes of inheritance.

gnomAD v4.1: 2 of 1,613,774 alleles (0.00012%); highest among the groups gnomAD compares: South Asian, 0.0022%; no homozygotes.

Submission:

Labcorp Genetics (formerly Invitae), Labcorp
Classification: Uncertain significance for Long QT syndrome. Last evaluated: 2019-12-15. Review status: criteria provided, single submitter. Criteria: Invitae Variant Classification Sherloc (09022015). Collection method: clinical testing. Allele origin: germline.
Comment: This variant has not been reported in the literature in individuals with ANK2-related conditions. This variant is not present in population databases (ExAC no frequency). This sequence change replaces histidine with tyrosine at codon 3558 of the ANK2 protein (p.His3558Tyr). The histidine residue is weakly conserved and there is a moderate physicochemical difference between histidine and tyrosine. In summary, the available evidence is currently insufficient to determine the role of this variant in disease. Therefore, it has been classified as a Variant of Uncertain Significance. Algorithms developed to predict the effect of missense changes on protein structure and function are either unavailable or do not agree on the potential impact of this missense change (SIFT: "Tolerated"; PolyPhen-2: "Possibly Damaging"; Align-GVGD: "Class C0").